The following is an entry in ClinVar:

NM_018979.4(WNK1):c.11_12delinsTT (p.Gly4Val)

Gene: WNK1 (WNK lysine deficient protein kinase 1; plus strand). Cytogenetic location: 12p13.33.
Variant type: Indel.
Coding change: c.11_12delinsTT on transcript NM_018979.4 (MANE Select); coding-DNA positions 11 to 12, GC replaced by TT.
Protein change: p.Gly4Val; replaces glycine 4 with valine.
Molecular consequence: missense variant.
Genome position (GRCh38, 1-based): chr12:753,576-753,577, GC replaced by TT. VCF-style: chr12-753576-GC-TT. GRCh37 (hg19) VCF-style: chr12-862742-GC-TT.
Other names: c.11_12delinsTT, p.Gly4Val (NM_001184985.2, NM_014823.3, NM_213655.5); short protein forms G4V.
Identifiers: ClinVar variation 645633 (VCV000645633.8), dbSNP rs1591539703, ClinGen allele CA915947824.

ClinVar aggregate classification (germline): Uncertain significance. Review status: criteria provided, multiple submitters, no conflicts (2 of 4 stars). 2 submissions from 2 submitters: Uncertain significance (2). Last evaluated 2025-05-13.

Conditions:
Neuropathy, hereditary sensory and autonomic, type 2A (HSAN2A). Also called: WNK1-Related HSAN2 (HSAN2A); ACROOSTEOLYSIS, GIACCAI TYPE; ACROOSTEOLYSIS, NEUROGENIC; HSAN IIA; MORVAN DISEASE; NEUROPATHY, CONGENITAL SENSORY. Identifiers: Orphanet 970, MedGen C2752089, MONDO:0024309, OMIM 201300.
Pseudohypoaldosteronism type 2C (PHA2C). Also called: Pseudohypoaldosteronism Type IIC. Identifiers: Orphanet 757, Orphanet 88940, MedGen C1840391, MONDO:0013778, OMIM 614492.

Submissions (2):

Labcorp Genetics (formerly Invitae), Labcorp
Classification: Uncertain significance for Neuropathy, hereditary sensory and autonomic, type 2A; Pseudohypoaldosteronism type 2C. Last evaluated: 2025-05-13. Review status: criteria provided, single submitter. Criteria: Invitae Variant Classification Sherloc (09022015). Collection method: clinical testing. Allele origin: germline.
Comment: This sequence change replaces glycine, which is neutral and non-polar, with valine, which is neutral and non-polar, at codon 4 of the WNK1 protein (p.Gly4Val). This variant is present in population databases (no rsID available, gnomAD 0.0008%). This variant has not been reported in the literature in individuals affected with WNK1-related conditions. ClinVar contains an entry for this variant (Variation ID: 645633). Experimental studies and prediction algorithms are not available or were not evaluated, and the functional significance of this variant is currently unknown. In summary, the available evidence is currently insufficient to determine the role of this variant in disease. Therefore, it has been classified as a Variant of Uncertain Significance.

Women's Health and Genetics/Laboratory Corporation of America, LabCorp
Classification: Uncertain significance. Last evaluated: 2025-05-13. Review status: criteria provided, single submitter. Criteria: LabCorp Variant Classification Summary - May 2015. Collection method: clinical testing. Allele origin: germline.
Comment: Variant summary: WNK1 c.11_12delinsTT (p.Gly4Val) results in a non-conservative amino acid change in the encoded protein sequence. Algorithms developed to predict the effect of missense changes on protein structure and function are either unavailable or do not agree on the potential impact of this missense change. The variant was absent in 242518 control chromosomes (gnomAD). The available data on variant occurrences in the general population are insufficient to allow any conclusion about variant significance. To our knowledge, no occurrence of c.11_12delinsTT in individuals affected with Neuropathy, hereditary sensory and autonomic, type 2A and no experimental evidence demonstrating its impact on protein function have been reported. ClinVar contains an entry for this variant (Variation ID: 645633). Based on the evidence outlined above, the variant was classified as uncertain significance.